The following is an entry in ClinVar:

NM_002206.3(ITGA7):c.1217A>G (p.Asp406Gly)

Gene: ITGA7 (integrin subunit alpha 7; minus strand). Cytogenetic location: 12q13.2.
Variant type: single nucleotide variant.
Coding change: c.1217A>G on transcript NM_002206.3 (MANE Select); coding-DNA position 1217, A replaced by G.
Protein change: p.Asp406Gly; replaces aspartic acid 406 with glycine.
Molecular consequence: missense variant. On other transcripts: 5 prime UTR variant (1).
Genome position (GRCh38, 1-based): chr12:55,698,002, T>C on the plus strand (A>G on the coding strand, the complement: ITGA7 is on the minus strand). VCF-style: chr12-55698002-T-C. GRCh37 (hg19) VCF-style: chr12-56091786-T-C.
Other names: c.1229A>G, p.Asp410Gly (NM_001144996.2, NM_001414029.1); c.938A>G, p.Asp313Gly (NM_001144997.2); c.890A>G, p.Asp297Gly (NM_001367993.1); c.-76A>G (NM_001367994.1); c.1217A>G, p.Asp406Gly (NM_001374465.1, NM_001414034.1); c.1349A>G, p.Asp450Gly (NM_001410977.1); c.1142A>G, p.Asp381Gly (NM_001414030.1); c.1130A>G, p.Asp377Gly (NM_001414031.1); and 3 more; short protein forms D410G, D297G, D313G, D406G, D450G, D293G, D366G, D345G.
Identifiers: ClinVar variation 1420090 (VCV001420090.3), dbSNP rs1298211326, ClinGen allele CA385189927.

ClinVar aggregate classification (germline): Uncertain significance (1 of 4 stars; one submission).

Conditions:
Congenital muscular dystrophy due to integrin alpha-7 deficiency. Also called: Congenital muscular dystrophy with integrin alpha-7 deficiency; Muscular dystrophy, congenital, due to ITGA7 deficiency; MYOPATHY, CONGENITAL, DUE TO INTEGRIN ALPHA-7 DEFICIENCY. Identifiers: Orphanet 34520, MedGen C2750786, MONDO:0013177, OMIM 613204.

Allele frequency attached by ClinVar (database versions not stated): gnomAD exomes below 0.00001 and 0.00001.
gnomAD v4.1: 3 of 1,614,072 alleles (0.00019%); highest among the groups gnomAD compares: Admixed American, 0.0033%; no homozygotes.

Submission:

Labcorp Genetics (formerly Invitae), Labcorp
Classification: Uncertain significance for Congenital muscular dystrophy due to integrin alpha-7 deficiency. Last evaluated: 2022-07-31. Review status: criteria provided, single submitter. Criteria: Invitae Variant Classification Sherloc (09022015). Collection method: clinical testing. Allele origin: germline.
Comment: This sequence change replaces aspartic acid, which is acidic and polar, with glycine, which is neutral and non-polar, at codon 406 of the ITGA7 protein (p.Asp406Gly). This variant is present in population databases (no rsID available, gnomAD 0.003%). This variant has not been reported in the literature in individuals affected with ITGA7-related conditions. ClinVar contains an entry for this variant (Variation ID: 1420090). Algorithms developed to predict the effect of missense changes on protein structure and function are either unavailable or do not agree on the potential impact of this missense change (SIFT: "Deleterious"; PolyPhen-2: "Probably Damaging"; Align-GVGD: "Class C0"). In summary, the available evidence is currently insufficient to determine the role of this variant in disease. Therefore, it has been classified as a Variant of Uncertain Significance.